The following is an entry in ClinVar:

ClinVar aggregate classification (germline): Uncertain significance. Review status: criteria provided, multiple submitters, no conflicts (2 of 4 stars). 2 submissions from 2 submitters: Uncertain significance (2). Last evaluated 2024-07-02.

Allele frequency attached by ClinVar (database versions not stated): ExAC 0.00001; gnomAD 0.00001; 1000 Genomes Project 30x 0.00021; 1000 Genomes Project 0.00026.
gnomAD v4.1: 1 of 1,207,245 alleles (0.000083%); highest among the groups gnomAD compares: African/African-American, 0.0018%; no homozygotes.

Submissions (2):

GeneDx
Classification: Uncertain significance. Last evaluated: 2024-07-02. Review status: criteria provided, single submitter. Criteria: GeneDx Variant Classification Process June 2021. Collection method: clinical testing. Allele origin: germline. Affected: yes.
Comment: In silico analysis supports that this missense variant has a deleterious effect on protein structure/function; Has not been previously published as pathogenic or benign to our knowledge

Labcorp Genetics (formerly Invitae), Labcorp
Classification: Uncertain significance. Last evaluated: 2023-09-10. Review status: criteria provided, single submitter. Criteria: Invitae Variant Classification Sherloc (09022015). Collection method: clinical testing. Allele origin: germline.
Comment: An algorithm developed to predict the effect of missense changes on protein structure and function (PolyPhen-2) suggests that this variant is likely to be disruptive. In summary, the available evidence is currently insufficient to determine the role of this variant in disease. Therefore, it has been classified as a Variant of Uncertain Significance. This variant has not been reported in the literature in individuals affected with USP9X-related conditions. This variant is present in population databases (rs754686068, gnomAD 0.008%). This sequence change replaces glycine, which is neutral and non-polar, with arginine, which is basic and polar, at codon 1252 of the USP9X protein (p.Gly1252Arg).

NM_001039591.3(USP9X):c.3754G>C (p.Gly1252Arg)

Gene: USP9X (ubiquitin specific peptidase 9 X-linked; plus strand). Cytogenetic location: Xp11.4.
Variant type: single nucleotide variant.
Coding change: c.3754G>C on transcript NM_001039591.3 (MANE Select); coding-DNA position 3754, G replaced by C.
Protein change: p.Gly1252Arg; replaces glycine 1252 with arginine.
Molecular consequence: missense variant.
Genome position (GRCh38, 1-based): chrX:41,188,061, G>C. VCF-style: chrX-41188061-G-C. GRCh37 (hg19) VCF-style: chrX-41047314-G-C.
Other names: c.3754G>C (NM_001039590.2); c.3754G>C, p.Gly1252Arg (NM_001039590.3); c.3769G>C, p.Gly1257Arg (NM_001410748.1, NM_001410749.1); short protein forms G1257R, G1252R.
Identifiers: ClinVar variation 2820805 (VCV002820805.4), dbSNP rs754686068, ClinGen allele CA10388768.